The following is an entry in ClinVar:

NM_013275.6(ANKRD11):c.626G>A (p.Cys209Tyr)

Gene: ANKRD11 (ankyrin repeat domain 11; minus strand). Cytogenetic location: 16q24.3.
Variant type: single nucleotide variant.
Coding change: c.626G>A on transcript NM_013275.6 (MANE Select); coding-DNA position 626, G replaced by A.
Protein change: p.Cys209Tyr; replaces cysteine 209 with tyrosine.
Molecular consequence: missense variant. On other transcripts: non-coding transcript variant (1).
Genome position (GRCh38, 1-based): chr16:89,288,646, C>T on the plus strand (G>A on the coding strand, the complement: ANKRD11 is on the minus strand). VCF-style: chr16-89288646-C-T. GRCh37 (hg19) VCF-style: chr16-89355054-C-T.
Other names: c.626G>A, p.Cys209Tyr (NM_001256182.2, NM_001256183.2); short protein forms C209Y.
Identifiers: ClinVar variation 1806108 (VCV001806108.1), dbSNP rs760037330, ClinGen allele CA397167031.

ClinVar aggregate classification (germline): Likely pathogenic (1 of 4 stars; one submission).

Conditions:
KBG syndrome (KBGS). Also called: ANKRD11-Related KBG Syndrome. Identifiers: Orphanet 2332, MedGen C0220687, MONDO:0007846, OMIM 148050.

Submission:

Victorian Clinical Genetics Services, Murdoch Childrens Research Institute
Classification: Likely pathogenic for KBG syndrome. Last evaluated: 2022-02-02. Review status: criteria provided, single submitter. Criteria: ACMG Guidelines, 2015. Collection method: clinical testing. Allele origin: germline. Inheritance: Autosomal dominant inheritance. Affected: yes.
Comment: Based on the classification scheme VCGS_Germline_v1.3.4, this variant is classified as Likely Pathogenic. Following criteria are met: 0102 - Loss of function is a known mechanism of disease in this gene and is associated with KBG syndrome (MIM#148050). (I) 0107 - This gene is associated with autosomal dominant disease. (I) 0115 - Variants in this gene are known to have variable expressivity. Intra-familial variability has been reported (PMID: 29258554). (I) 0200 - Variant is predicted to result in a missense amino acid change from cysteine to tyrosine. (I) 0251 - This variant is heterozygous. (I) 0301 - Variant is absent from gnomAD (both v2 and v3). (SP) 0309 - An alternative amino acid change at the same position has been observed in gnomAD (v2) (1 heterozygote, 0 homozygotes). (I) 0501 - Missense variant consistently predicted to be damaging by multiple in silico tools or highly conserved with a major amino acid change. (SP) 0600 - Variant is located in the annotated Ankyrin repeats domain (PDB, NCBI). (I) 0705 - No comparable missense variants have previous evidence for pathogenicity. (I) 0807 - This variant has no previous evidence of pathogenicity. (I) 0905 - No published segregation evidence has been identified for this variant. (I) 1007 - No published functional evidence has been identified for this variant. (SP) Legend: (SP) - Supporting pathogenic, (I) - Information, (SB) - Supporting benign

Literature cited by the submitters: PubMed 29258554.